The following is an entry in ClinVar:

NM_032447.5(FBN3):c.272G>A (p.Gly91Asp)

Gene: FBN3 (fibrillin 3; minus strand). Cytogenetic location: 19p13.2.
Variant type: single nucleotide variant.
Coding change: c.272G>A on transcript NM_032447.5 (MANE Select); coding-DNA position 272, G replaced by A.
Protein change: p.Gly91Asp; replaces glycine 91 with aspartic acid.
Molecular consequence: missense variant.
Genome position (GRCh38, 1-based): chr19:8,146,204, C>T on the plus strand (G>A on the coding strand, the complement: FBN3 is on the minus strand). VCF-style: chr19-8146204-C-T. GRCh37 (hg19) VCF-style: chr19-8211088-C-T.
Other names: c.272G>A, p.Gly91Asp (NM_001321431.2); short protein forms G91D.
Identifiers: ClinVar variation 2126733 (VCV002126733.4), dbSNP rs1451952708, ClinGen allele CA403725759.

ClinVar aggregate classification (germline): Uncertain significance (1 of 4 stars; one submission).

Submission:

Labcorp Genetics (formerly Invitae), Labcorp
Classification: Uncertain significance. Last evaluated: 2022-07-08. Review status: criteria provided, single submitter. Criteria: Invitae Variant Classification Sherloc (09022015). Collection method: clinical testing. Allele origin: germline.
Comment: This variant is not present in population databases (gnomAD no frequency). This sequence change replaces glycine, which is neutral and non-polar, with aspartic acid, which is acidic and polar, at codon 91 of the FBN3 protein (p.Gly91Asp). This variant has not been reported in the literature in individuals affected with FBN3-related conditions. Algorithms developed to predict the effect of missense changes on protein structure and function are either unavailable or do not agree on the potential impact of this missense change (SIFT: "Not Available"; PolyPhen-2: "Possibly Damaging"; Align-GVGD: "Not Available"). In summary, the available evidence is currently insufficient to determine the role of this variant in disease. Therefore, it has been classified as a Variant of Uncertain Significance.